The following is an entry in ClinVar:

NM_000821.7(GGCX):c.549C>T (p.Asp183=)

Gene: GGCX (gamma-glutamyl carboxylase; minus strand). Cytogenetic location: 2p11.2.
Variant type: single nucleotide variant.
Coding change: c.549C>T on transcript NM_000821.7 (MANE Select); coding-DNA position 549, C replaced by T.
Protein change: p.Asp183=; no amino-acid change (aspartic acid 183 retained).
Molecular consequence: synonymous variant.
Genome position (GRCh38, 1-based): chr2:85,556,251, G>A on the plus strand (C>T on the coding strand, the complement: GGCX is on the minus strand). VCF-style: chr2-85556251-G-A. GRCh37 (hg19) VCF-style: chr2-85783374-G-A.
Other names: c.378C>T, p.Asp126= (NM_001142269.4).
Identifiers: ClinVar variation 1642971 (VCV001642971.10), dbSNP rs532959958, ClinGen allele CA1742074.
Genomic context (GRCh38, chr2:85,556,251, plus strand): 5'-GAGCACTGCATAGTTCCAAAGGGGCACGTGGGCATTCCTCCTATGGGCATTCAGCAGACC[G>A]TCCACAGACCTACACCGAGGGAGGTAAACATTGAGGGGGGAGCTGCTTAATGCAGCTACA-3'
Protein context (NP_000812.2, residues 173-193): FMDANHYWSV[Asp183=]GLLNAHRRNA

ClinVar aggregate classification (germline): Benign/Likely benign. Review status: criteria provided, multiple submitters, no conflicts (2 of 4 stars). 2 submissions from 2 submitters: Benign (1); Likely benign (1). Last evaluated 2026-08-01.

Allele frequency attached by ClinVar (database versions not stated): gnomAD 0.00006; gnomAD exomes 0.00012 and 0.00062; 1000 Genomes Project 30x 0.00016; 1000 Genomes Project 0.00020; TOPMed 0.00021; ExAC 0.00058.
gnomAD v4.1: 178 of 1,606,528 alleles (0.011%); highest among the groups gnomAD compares: Admixed American, 0.28%; no homozygotes.

Submissions (2):

CeGaT Center for Human Genetics Tuebingen
Classification: Likely benign. Last evaluated: 2026-08-01. Review status: criteria provided, single submitter. Criteria: CeGaT Center For Human Genetics Tuebingen Variant Classification Criteria Version 2. Collection method: clinical testing. Allele origin: germline. Affected: yes. Observed: 3 variant alleles.
Comment: GGCX: BP4, BP7

Labcorp Genetics (formerly Invitae), Labcorp
Classification: Benign. Last evaluated: 2025-11-12. Review status: criteria provided, single submitter. Criteria: Invitae Variant Classification Sherloc (09022015). Collection method: clinical testing. Allele origin: germline.